The following is an entry in ClinVar:

NM_001303457.2(TTI1):c.1582G>T (p.Glu528Ter)

Gene: TTI1 (TELO2 interacting protein 1; minus strand). Cytogenetic location: 20q11.23.
Variant type: single nucleotide variant.
Coding change: c.1582G>T on transcript NM_001303457.2 (MANE Select); coding-DNA position 1582, G replaced by T.
Protein change: p.Glu528Ter; replaces glutamic acid 528 with a stop codon.
Molecular consequence: nonsense.
Genome position (GRCh38, 1-based): chr20:38,012,235, C>A on the plus strand (G>T on the coding strand, the complement: TTI1 is on the minus strand). VCF-style: chr20-38012235-C-A. GRCh37 (hg19) VCF-style: chr20-36640637-C-A.
Other names: c.1582G>T, p.Glu528Ter (NM_014657.3); short protein forms E528*.
Identifiers: ClinVar variation 4993159 (VCV004993159.1).
Genomic context (GRCh38, chr20:38,012,235, plus strand): 5'-TTTTAATATGTTTTTCGTGAAGATCCTCAACCTCCAGCCCAGCAGCCCCTGTAACCAGTT[C>A]ATTAAGGATCATGGCAGCTTGCTTCCGGTAAACCACAGATTGATGGTAAAGTTCCATAAA-3'

ClinVar aggregate classification (germline): Likely pathogenic (1 of 4 stars; one submission).

Conditions:
TTI1-related condition.

gnomAD v4.1: 1 of 1,614,226 alleles (0.000062%); highest among the groups gnomAD compares: African/African-American, 0.0013%; no homozygotes.

Submission:

PreventionGenetics, part of Exact Sciences
Classification: Likely pathogenic for TTI1-related condition. Last evaluated: 2026-01-20. Review status: criteria provided, single submitter. Criteria: ACMG Guidelines, 2015. Collection method: clinical testing. Allele origin: germline.
Comment: The TTI1 c.1582G>T variant is predicted to result in premature protein termination (p.Glu528*). To our knowledge, this variant has not been reported in the literature or in a large population database (gnomAD), indicating this variant is rare. Nonsense variants in TTI1 are expected to be pathogenic. This variant is interpreted as likely pathogenic.